The following is an entry in ClinVar:

NM_001346754.2(PIGW):c.55G>A (p.Val19Met)

Genes: MYO19 (myosin XIX; minus strand), PIGW (phosphatidylinositol glycan anchor biosynthesis class W; plus strand). Cytogenetic location: 17q12.
Variant type: single nucleotide variant.
Coding change: c.55G>A on transcript NM_001346754.2 (MANE Select); coding-DNA position 55, G replaced by A.
Protein change: p.Val19Met; replaces valine 19 with methionine.
Molecular consequence: missense variant.
Genome position (GRCh38, 1-based): chr17:36,537,156, G>A. VCF-style: chr17-36537156-G-A. GRCh37 (hg19) VCF-style: chr17-34893005-G-A.
Other names: c.55G>A, p.Val19Met (NM_001346755.2, NM_178517.5); c.55G>A (NM_178517.3); short protein forms V19M.
Identifiers: ClinVar variation 2147486 (VCV002147486.2), dbSNP rs773053399, ClinGen allele CA290115681.

ClinVar aggregate classification (germline): Uncertain significance. Review status: criteria provided, multiple submitters, no conflicts (2 of 4 stars). 2 submissions from 2 submitters: Uncertain significance (2). Last evaluated 2023-12-18.

Conditions:
Inborn genetic diseases. Identifiers: MedGen C0950123, MeSH D030342.
Hyperphosphatasia with intellectual disability syndrome 5 (GPIBD11). Also called: GLYCOSYLPHOSPHATIDYLINOSITOL BIOSYNTHESIS DEFECT 11. Identifiers: Orphanet 247262, MedGen C4014958, MONDO:0014457, OMIM 616025.

Allele frequency attached by ClinVar (database versions not stated): ExAC 0.00002; gnomAD 0.00003; TOPMed 0.00003; gnomAD exomes 0.00004.
gnomAD v4.1: 61 of 1,613,318 alleles (0.0038%); highest among the groups gnomAD compares: Non-Finnish European, 0.0045%; no homozygotes.

Submissions (2):

Ambry Genetics
Classification: Uncertain significance for Inborn genetic diseases. Last evaluated: 2023-12-18. Review status: criteria provided, single submitter. Criteria: Ambry Variant Classification Scheme 2023. Collection method: clinical testing. Allele origin: germline.

Labcorp Genetics (formerly Invitae), Labcorp
Classification: Uncertain significance for Hyperphosphatasia with intellectual disability syndrome 5. Last evaluated: 2022-02-19. Review status: criteria provided, single submitter. Criteria: Invitae Variant Classification Sherloc (09022015). Collection method: clinical testing. Allele origin: germline.
Comment: This sequence change replaces valine, which is neutral and non-polar, with methionine, which is neutral and non-polar, at codon 19 of the PIGW protein (p.Val19Met). This variant is present in population databases (rs773053399, gnomAD 0.006%). This variant has not been reported in the literature in individuals affected with PIGW-related conditions. Algorithms developed to predict the effect of missense changes on protein structure and function (SIFT, PolyPhen-2, Align-GVGD) all suggest that this variant is likely to be tolerated. In summary, the available evidence is currently insufficient to determine the role of this variant in disease. Therefore, it has been classified as a Variant of Uncertain Significance.